The following is an entry in ClinVar:

ClinVar aggregate classification (germline): Likely benign. Review status: criteria provided, single submitter (1 of 4 stars). 2 submissions from 2 submitters: Likely benign (1). 1 of the submissions does not count toward it. Last evaluated 2026-02-01.

Conditions:
NEMF-related disorder. Also called: NEMF-related condition.

Allele frequency attached by ClinVar (database versions not stated): gnomAD 0.00008; TOPMed 0.00022; gnomAD exomes 0.00037; ExAC 0.00061.
gnomAD v4.1: 235 of 1,611,370 alleles (0.015%); highest among the groups gnomAD compares: Admixed American, 0.39%; no homozygotes.

Submissions (2):

CeGaT Center for Human Genetics Tuebingen
Classification: Likely benign. Last evaluated: 2026-02-01. Review status: criteria provided, single submitter. Criteria: CeGaT Center For Human Genetics Tuebingen Variant Classification Criteria Version 2. Collection method: clinical testing. Allele origin: germline. Affected: yes. Observed: 1 variant allele.
Comment: NEMF: BP4, BP7

PreventionGenetics, part of Exact Sciences
Classification: Likely benign for NEMF-related condition. Last evaluated: 2019-09-05. Review status: no assertion criteria provided. Collection method: clinical testing. Allele origin: germline. Not counted in ClinVar's aggregate classification.
Comment: This variant is classified as likely benign based on ACMG/AMP sequence variant interpretation guidelines (Richards et al. 2015 PMID: 25741868, with internal and published modifications).

NM_004713.6(NEMF):c.1512A>G (p.Lys504=)

Gene: NEMF (nuclear export mediator factor; minus strand). Cytogenetic location: 14q21.3.
Variant type: single nucleotide variant.
Coding change: c.1512A>G on transcript NM_004713.6 (MANE Select); coding-DNA position 1512, A replaced by G.
Protein change: p.Lys504=; no amino-acid change (lysine 504 retained).
Molecular consequence: synonymous variant.
Genome position (GRCh38, 1-based): chr14:49,825,932, T>C on the plus strand (A>G on the coding strand, the complement: NEMF is on the minus strand). VCF-style: chr14-49825932-T-C. GRCh37 (hg19) VCF-style: chr14-50292650-T-C.
Other names: c.1512A>G, p.Lys504= (NM_001301732.3).
Identifiers: ClinVar variation 3033381 (VCV003033381.6), dbSNP rs758498401, ClinGen allele CA7175251.